The following is an entry in ClinVar:

NM_002382.5(MAX):c.234_235dup (p.His79fs)

Gene: MAX (MYC associated transcriptional regulator X; minus strand). Cytogenetic location: 14q23.3.
Variant type: Duplication.
Coding change: c.234_235dup on transcript NM_002382.5 (MANE Select); coding-DNA positions 234 to 235, 2 bases duplicated (CC; older notation c.234_235dupCC).
Protein change: p.His79fs; shifts the reading frame from histidine 79.
Molecular consequence: frameshift variant. On other transcripts: 5 prime UTR variant (6), non-coding transcript variant (7), intron variant (2).
Genome position (GRCh38, 1-based): chr14:65,077,973-65,077,974, GG duplicated on the plus strand (CC on the coding strand, the reverse complement: MAX is on the minus strand). VCF-style (leftmost placement, unchanged base first): chr14-65077972-T-TGG. GRCh37 (hg19) VCF-style: chr14-65544690-T-TGG.
Other names: c.207_208dup, p.His70fs (NM_001407101.1, NM_001407102.1, NM_001407108.1 and 6 more transcripts); c.234_235dup, p.His79fs (NM_001407103.1, NM_001407104.1, NM_001407094.1 and 3 more transcripts); c.-41_-40dup (NM_001407105.1, NM_001407106.1, NM_001407107.1 and 1 more transcripts); c.-134_-133dup (NM_001407111.1, NM_001407112.1); c.126_127dup, p.His43fs (NM_001407098.1); c.144+15734_144+15735dup (NM_001271069.2); c.171+15734_171+15735dup (NM_197957.4); short protein forms H43fs, H70fs, H79fs.
Identifiers: ClinVar variation 2851942 (VCV002851942.3), dbSNP rs2504197333, ClinGen allele CA2739279311.
Genomic context (GRCh38, chr14:65,077,972, plus strand): 5'-CCTTGCTGCTCCAGAAGAGCATTCTGCCGCTTGAGGTCGTCAATATCTTGCTGGTGTGTG[T>TGG]GGTTTTTCCTTCGCATATACTGGATATATTCTGTGGCTTTGTCTAGGATTTGGGCCCGGG-3'

ClinVar aggregate classification (germline): Pathogenic (1 of 4 stars; one submission).

Conditions:
Hereditary pheochromocytoma and paraganglioma. Also called: Hereditary paragangliomas and pheochromocytomas; Hereditary Paraganglioma-Pheochromocytoma Syndromes; Hereditary pheochromocytoma-paraganglioma. Identifiers: Orphanet 29072, MedGen C4274332, MONDO:0017366.

Submission:

Labcorp Genetics (formerly Invitae), Labcorp
Classification: Pathogenic for Hereditary pheochromocytoma and paraganglioma. Last evaluated: 2023-04-04. Review status: criteria provided, single submitter. Criteria: Invitae Variant Classification Sherloc (09022015). Collection method: clinical testing. Allele origin: germline.
Comment: This sequence change results in a frameshift in the MAX gene (p.His79Profs*92). While this is not anticipated to result in nonsense mediated decay, it is expected to disrupt the last 82 amino acid(s) of the MAX protein and extend the protein by 9 additional amino acid residues. This variant is not present in population databases (gnomAD no frequency). This variant has not been reported in the literature in individuals affected with MAX-related conditions. This variant disrupts a region of the MAX protein in which other variant(s) (p.Gln97*) have been determined to be pathogenic (PMID: 29909963). This suggests that this is a clinically significant region of the protein, and that variants that disrupt it are likely to be disease-causing. For these reasons, this variant has been classified as Pathogenic.

Literature cited by the submitters: PubMed 29909963.